The following is an entry in ClinVar:

ClinVar aggregate classification (germline): Benign/Likely benign. Review status: criteria provided, multiple submitters, no conflicts (2 of 4 stars). 3 submissions from 3 submitters: Benign (1); Likely benign (2). Last evaluated 2026-06-30.

Conditions:
Sessile serrated polyposis cancer syndrome (SSPCS). Identifiers: Orphanet 157798, MedGen C4310714, MONDO:0014919, OMIM 617108.

Allele frequency attached by ClinVar (database versions not stated): gnomAD 0.00001.
gnomAD v4.1: 2 of 1,607,694 alleles (0.00012%); highest among the groups gnomAD compares: African/African-American, 0.0027%; no homozygotes.

Submissions (3):

Myriad Genetics, Inc.
Classification: Benign for Sessile serrated polyposis cancer syndrome. Last evaluated: 2026-06-30. Review status: criteria provided, single submitter. Criteria: Myriad Autosomal Dominant, Autosomal Recessive and X-Linked Classification Criteria (2023). Collection method: clinical testing. Allele origin: unknown.
Comment: This variant is considered benign. This variant is a silent/synonymous amino acid change and it is not expected to impact splicing.

Ambry Genetics
Classification: Likely benign. Last evaluated: 2026-02-09. Review status: criteria provided, single submitter. Criteria: Ambry Variant Classification Scheme 2023. Collection method: clinical testing. Allele origin: germline.

Labcorp Genetics (formerly Invitae), Labcorp
Classification: Likely benign. Last evaluated: 2020-09-23. Review status: criteria provided, single submitter. Criteria: Invitae Variant Classification Sherloc (09022015). Collection method: clinical testing. Allele origin: germline.

NM_017763.6(RNF43):c.669C>A (p.Arg223=)

Gene: RNF43 (ring finger protein 43; minus strand). Cytogenetic location: 17q22.
Variant type: single nucleotide variant.
Coding change: c.669C>A on transcript NM_017763.6 (MANE Select); coding-DNA position 669, C replaced by A.
Protein change: p.Arg223=; no amino-acid change (arginine 223 retained).
Molecular consequence: synonymous variant.
Genome position (GRCh38, 1-based): chr17:58,362,562, G>T on the plus strand (C>A on the coding strand, the complement: RNF43 is on the minus strand). VCF-style: chr17-58362562-G-T. GRCh37 (hg19) VCF-style: chr17-56439923-G-T.
Other names: c.669C>A, p.Arg223= (NM_001305544.3); c.288C>A, p.Arg96= (NM_001305545.2); c.669C>A (NM_017763.4).
Identifiers: ClinVar variation 1127144 (VCV001127144.11), dbSNP rs758704321, ClinGen allele CA292014850.